The following is an entry in ClinVar:

NM_032806.6(POMGNT2):c.1285C>T (p.Arg429Cys)

Gene: POMGNT2 (protein O-linked mannose N-acetylglucosaminyltransferase 2 (beta 1,4-); minus strand). Cytogenetic location: 3p22.1.
Variant type: single nucleotide variant.
Coding change: c.1285C>T on transcript NM_032806.6 (MANE Select); coding-DNA position 1285, C replaced by T.
Protein change: p.Arg429Cys; replaces arginine 429 with cysteine.
Molecular consequence: missense variant.
Genome position (GRCh38, 1-based): chr3:43,080,147, G>A on the plus strand (C>T on the coding strand, the complement: POMGNT2 is on the minus strand). VCF-style: chr3-43080147-G-A. GRCh37 (hg19) VCF-style: chr3-43121639-G-A.
Other names: short protein forms R429C.
Identifiers: ClinVar variation 1368083 (VCV001368083.5), dbSNP rs1299816126, ClinGen allele CA352301454.

ClinVar aggregate classification (germline): Uncertain significance (1 of 4 stars; one submission).

Conditions:
Muscular dystrophy-dystroglycanopathy (congenital with brain and eye anomalies), type a, 8 (MDDGA8). Also called: WALKER-WARBURG SYNDROME OR MUSCLE-EYE-BRAIN DISEASE, GTDC2-RELATED. Identifiers: Orphanet 899, MedGen C3553813, MONDO:0013904, OMIM 614830.

Allele frequency attached by ClinVar (database versions not stated): gnomAD exomes below 0.00001; TOPMed 0.00001; gnomAD 0.00002 and 0.00003.

Submission:

Labcorp Genetics (formerly Invitae), Labcorp
Classification: Uncertain significance for Muscular dystrophy-dystroglycanopathy (congenital with brain and eye anomalies), type a, 8. Last evaluated: 2022-04-22. Review status: criteria provided, single submitter. Criteria: Invitae Variant Classification Sherloc (09022015). Collection method: clinical testing. Allele origin: germline.
Comment: This sequence change replaces arginine, which is basic and polar, with cysteine, which is neutral and slightly polar, at codon 429 of the POMGNT2 protein (p.Arg429Cys). This variant is present in population databases (no rsID available, gnomAD 0.0009%). This variant has not been reported in the literature in individuals affected with POMGNT2-related conditions. Algorithms developed to predict the effect of missense changes on protein structure and function are either unavailable or do not agree on the potential impact of this missense change (SIFT: "Deleterious"; PolyPhen-2: "Benign"; Align-GVGD: "Class C0"). In summary, the available evidence is currently insufficient to determine the role of this variant in disease. Therefore, it has been classified as a Variant of Uncertain Significance.